The following is an entry in ClinVar:

NM_080680.3(COL11A2):c.1406C>T (p.Ala469Val)

Gene: COL11A2 (collagen type XI alpha 2 chain; minus strand). Cytogenetic location: 6p21.32.
Variant type: single nucleotide variant.
Coding change: c.1406C>T on transcript NM_080680.3 (MANE Select); coding-DNA position 1406, C replaced by T.
Protein change: p.Ala469Val; replaces alanine 469 with valine.
Molecular consequence: missense variant.
Genome position (GRCh38, 1-based): chr6:33,179,759, G>A on the plus strand (C>T on the coding strand, the complement: COL11A2 is on the minus strand). VCF-style: chr6-33179759-G-A. GRCh37 (hg19) VCF-style: chr6-33147536-G-A.
Other names: c.1085C>T, p.Ala362Val (NM_080679.3); c.1148C>T, p.Ala383Val (NM_080681.3); short protein forms A362V, A383V, A469V.
Identifiers: ClinVar variation 2121702 (VCV002121702.4), dbSNP rs1771481513, ClinGen allele CA363606007.

ClinVar aggregate classification (germline): Uncertain significance (1 of 4 stars; one submission).

Submission:

Labcorp Genetics (formerly Invitae), Labcorp
Classification: Uncertain significance. Last evaluated: 2022-04-11. Review status: criteria provided, single submitter. Criteria: Invitae Variant Classification Sherloc (09022015). Collection method: clinical testing. Allele origin: germline.
Comment: In summary, the available evidence is currently insufficient to determine the role of this variant in disease. Therefore, it has been classified as a Variant of Uncertain Significance. Advanced modeling of protein sequence and biophysical properties (such as structural, functional, and spatial information, amino acid conservation, physicochemical variation, residue mobility, and thermodynamic stability) performed at Invitae indicates that this missense variant is not expected to disrupt COL11A2 protein function. This variant has not been reported in the literature in individuals affected with COL11A2-related conditions. This variant is not present in population databases (gnomAD no frequency). This sequence change replaces alanine, which is neutral and non-polar, with valine, which is neutral and non-polar, at codon 469 of the COL11A2 protein (p.Ala469Val).